The following is an entry in ClinVar:

ClinVar aggregate classification (germline): Conflicting classifications of pathogenicity. Review status: criteria provided, conflicting classifications (1 of 4 stars). 2 submissions from 2 submitters: Uncertain significance (1); Likely benign (1). Last evaluated 2023-03-23.

Conditions:
Hereditary cancer-predisposing syndrome. Also called: Hereditary Cancer Syndrome; Neoplastic Syndromes, Hereditary; Tumor predisposition; Hereditary neoplastic syndrome. Identifiers: Orphanet 140162, MedGen C0027672, MeSH D009386, MONDO:0015356.
Hereditary breast ovarian cancer syndrome. Also called: Breast and ovarian cancer; Hereditary breast and ovarian cancer syndrome (HBOC); Hereditary breast and ovarian cancer; Hereditary breast and/or ovarian cancer syndrome; BRCA1- and BRCA2-Associated Hereditary Breast and Ovarian Cancer; Hereditary breast and ovarian cancer syndrome. Identifiers: Orphanet 145, MedGen C0677776, MeSH D061325, MONDO:0003582. Disease mechanism: loss of function.

Submissions (2):

University of Washington Department of Laboratory Medicine, University of Washington
Classification: Likely benign for Hereditary cancer-predisposing syndrome. Last evaluated: 2023-03-23. Review status: criteria provided, single submitter. Criteria: Dines et al. (Genet Med. 2020). Collection method: curation. Allele origin: germline.
Comment: Missense variant in a coldspot region where missense variants are very unlikely to be pathogenic (PMID:31911673).

BRCA1 coldspot (exon 11 using historical exon numbering). Reclassification based on statistical prior probability

Labcorp Genetics (formerly Invitae), Labcorp
Classification: Uncertain significance for Hereditary breast ovarian cancer syndrome. Last evaluated: 2021-01-12. Review status: criteria provided, single submitter. Criteria: Invitae Variant Classification Sherloc (09022015). Collection method: clinical testing. Allele origin: germline.
Comment: Algorithms developed to predict the effect of missense changes on protein structure and function are either unavailable or do not agree on the potential impact of this missense change (SIFT: "Tolerated"; PolyPhen-2: "Possibly Damaging"; Align-GVGD: "Class C0"). In summary, the available evidence is currently insufficient to determine the role of this variant in disease. Therefore, it has been classified as a Variant of Uncertain Significance. This variant has not been reported in the literature in individuals with BRCA1-related conditions. This sequence change replaces isoleucine with threonine at codon 769 of the BRCA1 protein (p.Ile769Thr). The isoleucine residue is moderately conserved and there is a moderate physicochemical difference between isoleucine and threonine. This variant is not present in population databases (ExAC no frequency).

NM_007294.4(BRCA1):c.2306T>C (p.Ile769Thr)

Gene: BRCA1 (BRCA1 DNA repair associated; minus strand). Cytogenetic location: 17q21.31.
Variant type: single nucleotide variant.
Coding change: c.2306T>C on transcript NM_007294.4 (MANE Select); coding-DNA position 2306, T replaced by C.
Protein change: p.Ile769Thr; replaces isoleucine 769 with threonine.
Molecular consequence: missense variant. On other transcripts: intron variant (137).
Genome position (GRCh38, 1-based): chr17:43,093,225, A>G on the plus strand (T>C on the coding strand, the complement: BRCA1 is on the minus strand). VCF-style: chr17-43093225-A-G. GRCh37 (hg19) VCF-style: chr17-41245242-A-G.
Other names: c.2306T>C, p.Ile769Thr (NM_001407625.1, NM_001407642.1, NM_001407639.1 and 30 more transcripts); c.2303T>C, p.Ile768Thr (NM_001407644.1, NM_001407645.1, NM_001407634.1 and 22 more transcripts); c.2297T>C, p.Ile766Thr (NM_001407646.1, NM_001407647.1); c.2093T>C, p.Ile698Thr (NM_001407571.1, NM_001407853.1, NM_001407894.1 and 9 more transcripts); c.2183T>C, p.Ile728Thr (NM_001407648.1, NM_001407664.1, NM_001407665.1 and 19 more transcripts); c.2180T>C, p.Ile727Thr (NM_001407649.1, NM_001407670.1, NM_001407671.1 and 11 more transcripts); c.2228T>C, p.Ile743Thr (NM_001407653.1, NM_001407654.1, NM_001407655.1 and 4 more transcripts); c.2225T>C, p.Ile742Thr (NM_001407659.1, NM_001407660.1, NM_001407661.1 and 1 more transcripts); and 41 more; short protein forms I722T, I769T, I473T, I721T, I742T, I743T, I642T, I658T.
Identifiers: ClinVar variation 1022688 (VCV001022688.12), dbSNP rs372366481, ClinGen allele CA10597387.